The following is an entry in ClinVar:

NM_001081.4(CUBN):c.2571C>T (p.Asn857=)

Gene: CUBN (cubilin; minus strand). Cytogenetic location: 10p13.
Variant type: single nucleotide variant.
Coding change: c.2571C>T on transcript NM_001081.4 (MANE Select); coding-DNA position 2571, C replaced by T.
Protein change: p.Asn857=; no amino-acid change (asparagine 857 retained).
Molecular consequence: synonymous variant.
Genome position (GRCh38, 1-based): chr10:17,071,480, G>A on the plus strand (C>T on the coding strand, the complement: CUBN is on the minus strand). VCF-style: chr10-17071480-G-A. GRCh37 (hg19) VCF-style: chr10-17113479-G-A.
Other names: p.Asn857=.
Identifiers: ClinVar variation 299502 (VCV000299502.28), dbSNP rs17432826, ClinGen allele CA5424941.

ClinVar aggregate classification (germline): Benign/Likely benign. Review status: criteria provided, multiple submitters, no conflicts (2 of 4 stars). 6 submissions from 6 submitters: Benign (4); Likely benign (2). Last evaluated 2026-02-01.

Conditions:
Imerslund-Grasbeck syndrome type 1 (IGS1). Also called: Megaloblastic anemia 1, Finnish type; MEGALOBLASTIC ANEMIA, 1; Imerslund-Gräsbeck syndrome 1. Identifiers: MedGen C4016819, MONDO:0100156, OMIM 261100.
Imerslund-Grasbeck syndrome. Also called: Megaloblastic anemia due to inborn errors of metabolism; Imerslund-Gräsbeck syndrome; ENTEROCYTE COBALAMIN MALABSORPTION; ENTEROCYTE INTRINSIC FACTOR RECEPTOR, DEFECT OF; PERNICIOUS ANEMIA, JUVENILE, DUE TO SELECTIVE INTESTINAL MALABSORPTION OF VITAMIN B12, WITH PROTEINURIA. Identifiers: Orphanet 35858, MedGen C4551825, MONDO:0009853.

Allele frequency attached by ClinVar (database versions not stated): ExAC 0.02125; 1000 Genomes Project 0.01318; TOPMed 0.01538; gnomAD 0.01751 and 0.01782; 1000 Genomes Project 30x 0.01374; gnomAD exomes 0.02070 and 0.02483; ESP Exome Variant Server 0.01799.
gnomAD v4.1: 38,685 of 1,613,852 alleles (2.4%); highest among the groups gnomAD compares: South Asian, 2.8%; 593 homozygotes.

Submissions (6):

Labcorp Genetics (formerly Invitae), Labcorp
Classification: Benign for Imerslund-Grasbeck syndrome. Last evaluated: 2026-02-01. Review status: criteria provided, single submitter. Criteria: Invitae Variant Classification Sherloc (09022015). Collection method: clinical testing. Allele origin: germline.

Mayo Clinic Laboratories, Mayo Clinic
Classification: Benign. Last evaluated: 2025-01-02. Review status: criteria provided, single submitter. Criteria: ACMG Guidelines, 2015. Collection method: clinical testing. Allele origin: germline. Observed: 15 variant alleles.
Comment: BA1

ARUP Laboratories, Molecular Genetics and Genomics, ARUP Laboratories
Classification: Benign. Last evaluated: 2023-11-22. Review status: criteria provided, single submitter. Criteria: ARUP Molecular Germline Variant Investigation Process 2024. Collection method: clinical testing. Allele origin: germline.

GeneDx
Classification: Likely benign. Last evaluated: 2021-06-24. Review status: criteria provided, single submitter. Criteria: GeneDx Variant Classification Process June 2021. Collection method: clinical testing. Allele origin: germline. Affected: yes.

Illumina Laboratory Services, Illumina
Classification: Benign for Imerslund-Grasbeck syndrome type 1. Last evaluated: 2018-01-12. Review status: criteria provided, single submitter. Criteria: ICSL Variant Classification Criteria 13 December 2019. Collection method: clinical testing. Allele origin: germline.
Comment: This variant was observed in the ICSL laboratory as part of a predisposition screen in an ostensibly healthy population. It had not been previously curated by ICSL or reported in the Human Gene Mutation Database (HGMD: prior to June 1st, 2018), and was therefore a candidate for classification through an automated scoring system. Utilizing variant allele frequency, disease prevalence and penetrance estimates, and inheritance mode, an automated score was calculated to assess if this variant is too frequent to cause the disease. Based on the score and internal cut-off values, a variant classified as benign is not then subjected to further curation. The score for this variant resulted in a classification of benign for this disease.

Breakthrough Genomics
Classification: Likely benign. Review status: criteria provided, single submitter. Criteria: ACMG Guidelines, 2015. Collection method: not provided. Allele origin: germline. Inheritance: Autosomal recessive inheritance. Affected: yes.